The following is an entry in ClinVar:

NM_014633.5(CTR9):c.3496G>C (p.Glu1166Gln)

Gene: CTR9 (CTR9 component of Paf1/RNA polymerase II complex; plus strand). Cytogenetic location: 11p15.4.
Variant type: single nucleotide variant.
Coding change: c.3496G>C on transcript NM_014633.5 (MANE Select); coding-DNA position 3496, G replaced by C.
Protein change: p.Glu1166Gln; replaces glutamic acid 1166 with glutamine.
Molecular consequence: missense variant.
Genome position (GRCh38, 1-based): chr11:10,779,079, G>C. VCF-style: chr11-10779079-G-C. GRCh37 (hg19) VCF-style: chr11-10800626-G-C.
Other names: c.3424G>C, p.Glu1142Gln (NM_001346279.2); short protein forms E1142Q, E1166Q.
Identifiers: ClinVar variation 1062433 (VCV001062433.9), dbSNP rs1054206320, ClinGen allele CA217715368.

ClinVar aggregate classification (germline): Uncertain significance (1 of 4 stars; one submission).

Allele frequency attached by ClinVar (database versions not stated): gnomAD exomes 0.00001.
gnomAD v4.1: 12 of 1,613,892 alleles (0.00074%); highest among the groups gnomAD compares: Non-Finnish European, 0.00093%; no homozygotes.

Submission:

Labcorp Genetics (formerly Invitae), Labcorp
Classification: Uncertain significance. Last evaluated: 2020-10-27. Review status: criteria provided, single submitter. Criteria: Invitae Variant Classification Sherloc (09022015). Collection method: clinical testing. Allele origin: germline.
Comment: In summary, the available evidence is currently insufficient to determine the role of this variant in disease. Therefore, it has been classified as a Variant of Uncertain Significance. Algorithms developed to predict the effect of missense changes on protein structure and function (SIFT, PolyPhen-2, Align-GVGD) all suggest that this variant is likely to be tolerated, but these predictions have not been confirmed by published functional studies and their clinical significance is uncertain. This variant has not been reported in the literature in individuals with CTR9-related conditions. This variant is not present in population databases (ExAC no frequency). This sequence change replaces glutamic acid with glutamine at codon 1166 of the CTR9 protein (p.Glu1166Gln). The glutamic acid residue is weakly conserved and there is a small physicochemical difference between glutamic acid and glutamine.